The following is an entry in ClinVar:

ClinVar aggregate classification (germline): Likely benign (0 of 4 stars; one submission).

Conditions:
MYH3-related disorder. Also called: MYH3-Related Disorders; MYH3-related condition. Identifiers: MedGen CN239329.

Submission:

PreventionGenetics, part of Exact Sciences
Classification: Likely benign for MYH3-related condition. Last evaluated: 2021-12-23. Review status: no assertion criteria provided. Collection method: clinical testing. Allele origin: germline.
Comment: This variant is classified as likely benign based on ACMG/AMP sequence variant interpretation guidelines (Richards et al. 2015 PMID: 25741868, with internal and published modifications).

NM_002470.4(MYH3):c.1411-378del

Gene: MYH3 (myosin heavy chain 3; minus strand). Cytogenetic location: 17p13.1.
Variant type: Deletion.
Coding change: c.1411-378del on transcript NM_002470.4 (MANE Select); 378 bases into the intron before coding-DNA position 1411, one base deleted (A; older notation c.1411-378delA).
Molecular consequence: intron variant.
Genome position (GRCh38, 1-based): chr17:10,643,374, T deleted on the plus strand (A on the coding strand, the reverse complement: MYH3 is on the minus strand); the first of 10 consecutive T bases (chr17:10,643,374-10,643,383); deleting any one gives the same sequence. VCF-style (leftmost placement, unchanged base first): chr17-10643373-CT-C. GRCh37 (hg19) VCF-style: chr17-10546690-CT-C.
Identifiers: ClinVar variation 3029969 (VCV003029969.2), dbSNP rs542626408, ClinGen allele CA287788339.